The following is an entry in ClinVar:

NM_025114.4(CEP290):c.790G>T (p.Val264Leu)

Gene: CEP290 (centrosomal protein 290; minus strand). Cytogenetic location: 12q21.32.
Variant type: single nucleotide variant.
Coding change: c.790G>T on transcript NM_025114.4 (MANE Select); coding-DNA position 790, G replaced by T.
Protein change: p.Val264Leu; replaces valine 264 with leucine.
Molecular consequence: missense variant.
Genome position (GRCh38, 1-based): chr12:88,129,756, C>A on the plus strand (G>T on the coding strand, the complement: CEP290 is on the minus strand). VCF-style: chr12-88129756-C-A. GRCh37 (hg19) VCF-style: chr12-88523533-C-A.
Other names: short protein forms V264L.
Identifiers: ClinVar variation 568160 (VCV000568160.9), dbSNP rs1242440672, ClinGen allele CA385984500.

ClinVar aggregate classification (germline): Uncertain significance. Review status: criteria provided, multiple submitters, no conflicts (2 of 4 stars). 4 submissions from 4 submitters: Uncertain significance (3). 1 of the submissions does not count toward it. Last evaluated 2026-04-27.

Conditions:
Nephronophthisis. Also called: Juvenile Nephronophthisis. Identifiers: Orphanet 655, MedGen C0687120, MONDO:0019005, HP:0000090.
Meckel-Gruber syndrome. Also called: DYSENCEPHALIA SPLANCHNOCYSTICA; GRUBER SYNDROME; Dysencephalia splachnocystica. Identifiers: Orphanet 564, MedGen C0265215, MONDO:0018921.
Joubert syndrome. Also called: Familial aplasia of the vermis; JOUBERT-BOLTSHAUSER SYNDROME. Identifiers: Orphanet 475, MedGen C5979921, MONDO:0018772.
Leber congenital amaurosis (LCA). Also called: Leber's amaurosis. Identifiers: Orphanet 65, MedGen C0339527, MeSH D057130, MONDO:0018998.
CEP290-related disorder. Also called: CEP290-related disorders; CEP290-related condition. Identifiers: MedGen CN239314.
Bardet-Biedl syndrome 14 (BBS14). Identifiers: Orphanet 110, MedGen C2673874, MONDO:0014442, OMIM 615991.
Senior-Loken syndrome 6 (SLSN6). Identifiers: Orphanet 3156, MedGen C1857779, MONDO:0012433, OMIM 610189.
Joubert syndrome 5 (JBTS5). Identifiers: Orphanet 2318, MedGen C1857780, MONDO:0012432, OMIM 610188.
Meckel syndrome, type 4 (MKS4). Also called: MECKEL-GRUBER SYNDROME, TYPE 4. Identifiers: Orphanet 564, MedGen C1970161, MONDO:0012626, OMIM 611134.
Leber congenital amaurosis 10 (LCA10). Identifiers: Orphanet 65, MedGen C1857821, MONDO:0012723, OMIM 611755.

Allele frequency attached by ClinVar (database versions not stated): TOPMed below 0.00001.

Submissions (4):

PreventionGenetics, part of Exact Sciences
Classification: Uncertain significance for CEP290-related condition. Last evaluated: 2026-04-27. Review status: criteria provided, single submitter. Criteria: ACMG Guidelines, 2015. Collection method: clinical testing. Allele origin: germline.
Comment: The CEP290 c.790G>T variant is predicted to result in the amino acid substitution p.Val264Leu. To our knowledge, this variant has not been reported in the literature or in a large population database (gnomAD), indicating this variant is rare. At this time, the clinical significance of this variant is uncertain due to the absence of conclusive functional and genetic evidence.

Fulgent Genetics
Classification: Uncertain significance for Joubert syndrome 5; Senior-Loken syndrome 6; Meckel syndrome, type 4; Leber congenital amaurosis 10; Bardet-Biedl syndrome 14. Last evaluated: 2024-02-06. Review status: criteria provided, single submitter. Criteria: ACMG Guidelines, 2015. Collection method: clinical testing. Allele origin: germline.

Labcorp Genetics (formerly Invitae), Labcorp
Classification: Uncertain significance for Joubert syndrome; Meckel-Gruber syndrome; Nephronophthisis. Last evaluated: 2022-09-01. Review status: criteria provided, single submitter. Criteria: Invitae Variant Classification Sherloc (09022015). Collection method: clinical testing. Allele origin: germline.
Comment: This sequence change replaces valine, which is neutral and non-polar, with leucine, which is neutral and non-polar, at codon 264 of the CEP290 protein (p.Val264Leu). This variant is not present in population databases (gnomAD no frequency). This variant has not been reported in the literature in individuals affected with CEP290-related conditions. ClinVar contains an entry for this variant (Variation ID: 568160). Algorithms developed to predict the effect of missense changes on protein structure and function are either unavailable or do not agree on the potential impact of this missense change (SIFT: "Deleterious"; PolyPhen-2: "Benign"; Align-GVGD: "Class C0"). In summary, the available evidence is currently insufficient to determine the role of this variant in disease. Therefore, it has been classified as a Variant of Uncertain Significance.

Natera, Inc.
Classification: Uncertain significance for Leber congenital amaurosis. Last evaluated: 2020-02-28. Review status: no assertion criteria provided. Collection method: clinical testing. Allele origin: germline. Not counted in ClinVar's aggregate classification.